The following is an entry in ClinVar:

NM_000540.3(RYR1):c.14560G>A (p.Val4854Met)

Gene: RYR1 (ryanodine receptor 1; plus strand). Cytogenetic location: 19q13.2.
Variant type: single nucleotide variant.
Coding change: c.14560G>A on transcript NM_000540.3 (MANE Select); coding-DNA position 14560, G replaced by A.
Protein change: p.Val4854Met; replaces valine 4854 with methionine.
Molecular consequence: missense variant.
Genome position (GRCh38, 1-based): chr19:38,580,418, G>A. VCF-style: chr19-38580418-G-A. GRCh37 (hg19) VCF-style: chr19-39071058-G-A.
Other names: c.14545G>A, p.Val4849Met (NM_001042723.2); short protein forms V4849M, V4854M.
Identifiers: ClinVar variation 4079933 (VCV004079933.2).

ClinVar aggregate classification (germline): Uncertain significance. Review status: criteria provided, multiple submitters, no conflicts (2 of 4 stars). 2 submissions from 2 submitters: Uncertain significance (2). Last evaluated 2025-07-07.

Conditions:
Congenital multicore myopathy with external ophthalmoplegia (CMYO1B). Also called: MULTICORE MYOPATHY; Minicore myopathy with external ophthalmoplegia; Congenital myopathy 1B, autosomal recessive; Minicore myopathy; MULTIMINICORE DISEASE WITH EXTERNAL OPHTHALMOPLEGIA. Identifiers: Orphanet 598, Orphanet 98905, MedGen C1850674, MONDO:0009712, OMIM 255320, HP:0003789.

gnomAD v4.1: 2 of 1,614,022 alleles (0.00012%); highest among the groups gnomAD compares: Non-Finnish European, 0.00017%; no homozygotes.

Submissions (2):

3billion
Classification: Uncertain significance for Congenital multicore myopathy with external ophthalmoplegia. Last evaluated: 2025-07-07. Review status: criteria provided, single submitter. Criteria: ACMG Guidelines, 2015. Collection method: clinical testing. Allele origin: germline. Affected: yes.
Comment: The variant is observed at an extremely low frequency in the gnomAD v4.1.0 dataset (total allele frequency: <0.001%). Predicted Consequence/Location: Missense variant In silico tool predictions suggest damaging effect of the variant on gene or gene product [REVEL: 0.85 (>=0.6, sensitivity 0.68 and specificity 0.92); 3Cnet: 0.99 (> 0.75, sensitivity 0.96 and precision 0.92)]. The same nucleotide change resulting in the same amino acid change has been previously reported to be associated with RYR1-related disorder (PMID: 35387801). Therefore, this variant is classified as VUS according to the recommendation of ACMG/AMP guideline.

Revvity Omics, Revvity
Classification: Uncertain significance. Last evaluated: 2024-07-11. Review status: criteria provided, single submitter. Criteria: ACMG Guidelines, 2015. Collection method: clinical testing. Allele origin: germline.

Literature cited by the submitters: PubMed 35387801 (cited by 3billion).